The following is an entry in ClinVar:

NM_001365536.1(SCN9A):c.1180A>C (p.Ile394Leu)

Genes: SCN9A (sodium voltage-gated channel alpha subunit 9; minus strand), SCN1A-AS1 (SCN1A and SCN9A antisense RNA 1; plus strand). Cytogenetic location: 2q24.3.
Variant type: single nucleotide variant.
Coding change: c.1180A>C on transcript NM_001365536.1 (MANE Select); coding-DNA position 1180, A replaced by C.
Protein change: p.Ile394Leu; replaces isoleucine 394 with leucine.
Molecular consequence: missense variant.
Genome position (GRCh38, 1-based): chr2:166,288,571, T>G on the plus strand (A>C on the coding strand, the complement: SCN9A is on the minus strand). VCF-style: chr2-166288571-T-G. GRCh37 (hg19) VCF-style: chr2-167145081-T-G.
Other names: c.1180A>C, p.Ile394Leu (NM_002977.4); short protein forms I394L.
Identifiers: ClinVar variation 1436378 (VCV001436378.10), dbSNP rs1697894744, ClinGen allele CA349085957.

ClinVar aggregate classification (germline): Uncertain significance. Review status: criteria provided, multiple submitters, no conflicts (2 of 4 stars). 2 submissions from 2 submitters: Uncertain significance (2). Last evaluated 2024-08-07.

Conditions:
Neuropathy, hereditary sensory and autonomic, type 2A (HSAN2A). Also called: WNK1-Related HSAN2 (HSAN2A); ACROOSTEOLYSIS, NEUROGENIC; ACROOSTEOLYSIS, GIACCAI TYPE; MORVAN DISEASE; NEUROPATHY, CONGENITAL SENSORY; NEUROPATHY, HEREDITARY SENSORY RADICULAR, AUTOSOMAL RECESSIVE. Identifiers: Orphanet 970, MedGen C2752089, MONDO:0024309, OMIM 201300.
Generalized epilepsy with febrile seizures plus, type 7 (GEFSP7). Also called: GEFS+, TYPE 7. Identifiers: Orphanet 36387, MedGen C2751778, MONDO:0013470, OMIM 613863.
Inborn genetic diseases. Identifiers: MedGen C0950123, MeSH D030342.

Submissions (2):

Ambry Genetics
Classification: Uncertain significance for Inborn genetic diseases. Last evaluated: 2024-08-07. Review status: criteria provided, single submitter. Criteria: Ambry Variant Classification Scheme 2023. Collection method: clinical testing. Allele origin: germline.

Labcorp Genetics (formerly Invitae), Labcorp
Classification: Uncertain significance for Neuropathy, hereditary sensory and autonomic, type 2A; Generalized epilepsy with febrile seizures plus, type 7. Last evaluated: 2023-11-13. Review status: criteria provided, single submitter. Criteria: Invitae Variant Classification Sherloc (09022015). Collection method: clinical testing. Allele origin: germline.
Comment: This sequence change replaces isoleucine, which is neutral and non-polar, with leucine, which is neutral and non-polar, at codon 394 of the SCN9A protein (p.Ile394Leu). This variant is not present in population databases (gnomAD no frequency). This variant has not been reported in the literature in individuals affected with SCN9A-related conditions. ClinVar contains an entry for this variant (Variation ID: 1436378). Advanced modeling of protein sequence and biophysical properties (such as structural, functional, and spatial information, amino acid conservation, physicochemical variation, residue mobility, and thermodynamic stability) performed at Invitae indicates that this missense variant is not expected to disrupt SCN9A protein function with a negative predictive value of 95%. In summary, the available evidence is currently insufficient to determine the role of this variant in disease. Therefore, it has been classified as a Variant of Uncertain Significance.